The following is an entry in ClinVar:

ClinVar aggregate classification (germline): Pathogenic. Review status: reviewed by expert panel (3 of 4 stars). 12 submissions from 12 submitters: Pathogenic (1). 11 of the submissions do not count toward it. Last evaluated 2022-03-16.

Conditions:
ATM-related cancer predisposition. Also called: ATM-related cancer susceptibility. Identifiers: MedGen CN377759, MONDO:0700270.
Familial cancer of breast. Also called: Hereditary breast cancer; BREAST CANCER, FAMILIAL; hereditary breast carcinoma. Identifiers: Orphanet 227535, MedGen C0346153, MONDO:0016419, OMIM 114480. Disease mechanism: loss of function.
Ataxia-telangiectasia syndrome (AT). Also called: Ataxia telangiectasia (A-T); Cerebello-oculocutaneous telangiectasia; Immunodeficiency with ataxia telangiectasia; Ataxia-telangiectasia; Ataxia-telangiectasia, complementation group D; AT, COMPLEMENTATION GROUP C. Identifiers: Orphanet 100, MedGen C0004135, MONDO:0008840, OMIM 208900.
Hereditary cancer-predisposing syndrome. Also called: Hereditary neoplastic syndrome; Neoplastic Syndromes, Hereditary; Hereditary Cancer Syndrome; Tumor predisposition. Identifiers: Orphanet 140162, MedGen C0027672, MeSH D009386, MONDO:0015356.

Allele frequency attached by ClinVar (database versions not stated): gnomAD exomes 0.00001 and below 0.00001; ExAC 0.00001.
gnomAD v4.1: 3 of 1,613,904 alleles (0.00019%); highest among the groups gnomAD compares: Non-Finnish European, 0.00017%; no homozygotes.

Submissions (12):

ClinGen Hereditary Breast, Ovarian and Pancreatic Cancer Variant Curation Expert Panel, ClinGen
Classification: Pathogenic for ATM-related cancer predisposition. Last evaluated: 2022-03-16. Review status: reviewed by expert panel. Criteria: clingen hbop acmg specifications atm v1-1. Collection method: curation. Allele origin: germline. Inheritance: Autosomal dominant inheritance.
Comment: The ATM c.1607+1G>T canonical splice variant is predicted to result in a truncated protein that disrupts a critical functional domain (PVS1_Strong). This variant has been observed in a homozygous and compound heterozygous state in multiple individuals with Ataxia-Telangiectasia (PMIDs: 10330348, 1712434, 9450906, 19691550, PM3_VeryStrong). This variant has a GnomAD (v2.1.1) allele frequency of 0.0009% (NFE) which is below the ATM PM2 threshold of 0.001% (PM2_Supporting). In summary, this variant meets criteria to be classified as pathogenic. ACMG/AMP criteria applied, as specified by the HBOP Variant Curation Expert Panel.

Labcorp Genetics (formerly Invitae), Labcorp
Classification: Pathogenic for Ataxia-telangiectasia syndrome. Last evaluated: 2026-01-22. Review status: criteria provided, single submitter. Criteria: Invitae Variant Classification Sherloc (09022015). Collection method: clinical testing. Allele origin: germline. Not counted in ClinVar's aggregate classification.
Comment: This sequence change affects a donor splice site in intron 10 of the ATM gene. It is expected to disrupt RNA splicing. Variants that disrupt the donor or acceptor splice site typically lead to a loss of protein function (PMID: 16199547), and loss-of-function variants in ATM are known to be pathogenic (PMID: 23807571, 25614872). The frequency data for this variant in the population databases is considered unreliable, as metrics indicate poor data quality at this position in the gnomAD database. Disruption of this splice site has been observed in individual(s) with ataxia telangiectasia (PMID: 10330348, 17124347). In at least one individual the data is consistent with being in trans (on the opposite chromosome) from a pathogenic variant. This variant is also known as IVS12+1G>T. ClinVar contains an entry for this variant (Variation ID: 220555). Studies have shown that disruption of this splice site alters ATM gene expression (PMID: 10330348). Studies have shown that disruption of this splice site is associated with altered splicing resulting in multiple RNA products (PMID: 9443866, 9450906; internal data). For these reasons, this variant has been classified as Pathogenic.

Natera, Inc.
Classification: Likely pathogenic for Ataxia-telangiectasia. Last evaluated: 2024-12-31. Review status: criteria provided, single submitter. Criteria: Natera Variant Classification Schema (03/2026). Collection method: clinical testing. Allele origin: germline. Not counted in ClinVar's aggregate classification.
Comment: The c.1607+1G>T variant in ATM is a canonical splice donor site variant predicted to affect pre-mRNA splicing, which may result in an abnormal transcript and altered protein product. This variant may result in a truncated or dysfunctional protein product. This variant is rare in the general population with a frequency below the threshold expected for the associated phenotype(s). This variant has been observed in one or more individuals affected with the associated recessive disease, as either homozygous or compound heterozygous with a second variant (PMID: 19691550, 10330348, 9450906). Functional studies show that this variant may disrupt protein function (PMID: 9450906, 38917355). Given the available evidence, this variant is classified as Likely Pathogenic.

Molecular Pathology, Peter Maccallum Cancer Centre
Classification: Pathogenic for Ataxia-telangiectasia syndrome. Last evaluated: 2024-02-15. Review status: criteria provided, single submitter. Criteria: ACMG Guidelines, 2015. Collection method: clinical testing. Allele origin: germline. Inheritance: Autosomal recessive inheritance. Not counted in ClinVar's aggregate classification.

Department of Pathology and Laboratory Medicine, Sinai Health System
Classification: Pathogenic for Familial cancer of breast; Ataxia-telangiectasia syndrome. Last evaluated: 2024-02-07. Review status: criteria provided, single submitter. Criteria: ACMG Guidelines, 2015. Collection method: clinical testing. Allele origin: germline. Affected: no. Not counted in ClinVar's aggregate classification.

Myriad Genetics, Inc.
Classification: Likely pathogenic for Familial cancer of breast. Last evaluated: 2024-01-16. Review status: criteria provided, single submitter. Criteria: Myriad Autosomal Dominant, Autosomal Recessive and X-Linked Classification Criteria (2023). Collection method: clinical testing. Allele origin: unknown. Not counted in ClinVar's aggregate classification.
Comment: This variant is considered likely pathogenic. This variant occurs within a consensus splice junction and is predicted to result in abnormal mRNA splicing of either an out-of-frame exon or an in-frame exon necessary for protein stability and/or normal function.

Ambry Genetics
Classification: Pathogenic for Hereditary cancer-predisposing syndrome. Last evaluated: 2023-11-20. Review status: criteria provided, single submitter. Criteria: Ambry Variant Classification Scheme 2023. Collection method: clinical testing. Allele origin: germline. Not counted in ClinVar's aggregate classification.
Comment: The c.1607+1G>T intronic pathogenic mutation results from a G to T substitution one nucleotide after coding exon 9 of the ATM gene. This alteration has been detected in multiple homozygous and compound heterozygous individuals of Italian descent with ataxia telangiectasia (A-T) (Teraoka SN et al. Am. J. Hum. Genet. 1999 Jun; 64(6):1617-31; Magliozzi M et al. Dis. Markers 2006; 22(4):257-64; Telatar M et al. Am. J. Hum. Genet. 1998 Jan; 62(1):86-97; Chessa L et al. Ann. Hum. Genet. 2009 Sep; 73(Pt 5):532-9; Gilad S et al. Hum. Mutat. 1998;11(1):69-75). Furthermore, functional mRNA studies have shown that this alteration leads to aberrant splicing (Gilad S et al. Hum. Mutat. 1998; 11(1):69-75; Teraoka SN et al. Am. J. Hum. Genet. 1999 Jun; 64(6):1617-31). Further, cells from an individual homozygous for this alteration have been shown to exhibit marked hypersensitivity to DNA damaging agents (i.e. x-rays and potassium bromate), demonstrated by increased chromosomal damage in exposed cells (Mosesso P et al. Mutat Res Genet Toxicol Environ Mutagen. 2018 Dec;836:117-123). Of note, this alteration is also designated as IVS12+1G>T in the published literature. In addition to the clinical data presented in the literature, alterations that disrupt the canonical splice site are expected to cause aberrant splicing, resulting in an abnormal protein or a transcript that is subject to nonsense-mediated mRNA decay. As such, this alteration is interpreted as a disease-causing mutation.

Color Diagnostics, LLC DBA Color Health
Classification: Pathogenic for Hereditary cancer-predisposing syndrome. Last evaluated: 2023-10-03. Review status: criteria provided, single submitter. Criteria: ACMG Guidelines, 2015. Collection method: clinical testing. Allele origin: germline. Not counted in ClinVar's aggregate classification.
Comment: This variant causes a G to T nucleotide substitution at the +1 position of intron 10 of the ATM gene. Splice site prediction tools predict that this variant may have a significant impact on RNA splicing. RNA studies have reported that this variant (also known as IVS12+1G>T in the literature) leads to the activation of a cryptic splice site 201 basepair upstream (PMID: 9450906) or the retention of intron 10 (PMID: 10330348). Both mutant transcripts are expected to result in an absent or disrupted protein product. This variant has been reported in individuals affected with ataxia telangiectasia (PMID: 9443866, 9450906, 10330348, 19691550, 23454770). This variant has been identified in 2/250010 chromosomes in the general population by the Genome Aggregation Database (gnomAD). Loss of ATM function is a known mechanism of disease. Based on the available evidence, this variant is classified as Pathogenic.

Baylor Genetics
Classification: Pathogenic for Familial cancer of breast. Last evaluated: 2023-08-05. Review status: criteria provided, single submitter. Criteria: ACMG Guidelines, 2015. Collection method: clinical testing. Allele origin: unknown. Not counted in ClinVar's aggregate classification.

Women's Health and Genetics/Laboratory Corporation of America, LabCorp
Classification: Pathogenic for Ataxia-telangiectasia syndrome. Last evaluated: 2023-04-03. Review status: criteria provided, single submitter. Criteria: LabCorp Variant Classification Summary - May 2015. Collection method: clinical testing. Allele origin: germline. Not counted in ClinVar's aggregate classification.
Comment: Variant summary: ATM c.1607+1G>T is located in a canonical splice-site and is predicted to affect mRNA splicing resulting in a significantly altered protein due to either exon skipping, shortening, or inclusion of intronic material. Several computational tools predict a significant impact on normal splicing: Three predict the variant abolishes a 5' splicing donor site. One publication reported that the variant resulted in intron retention in a patient derived lymphoblastoid cell line (LCL), which had the variant in homozygous state (Teraoka_1999). The variant allele was found at a frequency of 8e-06 in 250010 control chromosomes (gnomAD). c.1607+1G>T has been reported in the literature in homozygous and compound heterozygous individuals affected with Ataxia-Telangiectasia (e.g. Teraoka_1999, Chessa_2009, Prodosmo_2013). These data indicate that the variant is likely to be associated with disease. Publications reported the lack of ATM protein on western-blot of cells derived from homozygous patients (Teraoka_1999, Prodosmo_2013). Six submitters, including an expert panel (ClinGen), have provided clinical-significance assessments for this variant in ClinVar after 2014, and classified the variant as pathogenic (n=5, including the ClinGen Expert panel) or likely pathogenic (n=1). Based on the evidence outlined above, the variant was classified as pathogenic.

GeneDx
Classification: Pathogenic. Last evaluated: 2019-07-05. Review status: criteria provided, single submitter. Criteria: GeneDx Variant Classification Process June 2021. Collection method: clinical testing. Allele origin: germline. Affected: yes. Not counted in ClinVar's aggregate classification.
Comment: Canonical splice site variant in a gene for which loss-of-function is a known mechanism of disease; Not observed at a significant frequency in large population cohorts (Lek et al., 2016); This variant is associated with the following publications: (PMID: 9443866, 17124347, 9450906, 19691550, 23454770, 25525159, 10330348)

Counsyl
Classification: Likely pathogenic for Ataxia-telangiectasia syndrome. Last evaluated: 2015-11-16. Review status: no assertion criteria provided. Collection method: clinical testing. Allele origin: unknown. Not counted in ClinVar's aggregate classification.

Literature cited by the submitters: PubMed 16199547 (cited by Labcorp Genetics (formerly Invitae), Labcorp); PubMed 23807571 (cited by Labcorp Genetics (formerly Invitae), Labcorp); PubMed 25614872 (cited by Labcorp Genetics (formerly Invitae), Labcorp); PubMed 10330348 (cited by 6 submitters); PubMed 17124347 (cited by 3 submitters); PubMed 9443866 (cited by 3 submitters); PubMed 9450906 (cited by 5 submitters); PubMed 19691550 (cited by 5 submitters); PubMed 38917355 (cited by Natera, Inc.); PubMed 32906206 (cited by Department of Pathology and Laboratory Medicine, Sinai Health System); PubMed 30389154 (cited by Ambry Genetics); PubMed 23454770 (cited by Color Diagnostics, LLC DBA Color Health and Women's Health and Genetics/Laboratory Corporation of America, LabCorp); PubMed 20305132 (cited by Women's Health and Genetics/Laboratory Corporation of America, LabCorp).

NM_000051.4(ATM):c.1607+1G>T

Gene: ATM (ATM serine/threonine kinase; plus strand). Cytogenetic location: 11q22.3.
Variant type: single nucleotide variant.
Coding change: c.1607+1G>T on transcript NM_000051.4 (MANE Select); the canonical splice donor site of the intron after coding-DNA position 1607, G replaced by T.
Molecular consequence: splice donor variant.
Genome position (GRCh38, 1-based): chr11:108,251,073, G>T. VCF-style: chr11-108251073-G-T. GRCh37 (hg19) VCF-style: chr11-108121800-G-T.
Other names: NM_000051.3(ATM):c.1607+1G>T; c.1607+1G>T (NM_001351834.2).
Identifiers: ClinVar variation 220555 (VCV000220555.30), dbSNP rs772926890, ClinGen allele CA348209.
Genomic context (GRCh38, chr11:108,251,073, plus strand): 5'-AGTTGAGGTTGACAGAGAATTCTGGAAGTTATTTACTGGGTCAGCCTGCAGACCTTCATG[G>T]TAAGTTCAGCATGCATTATGTCTGACTTACAGATAAACACACACAGACACACACACACTC-3'